The following is an entry in ClinVar:

ClinVar aggregate classification (germline): Uncertain significance. Review status: criteria provided, multiple submitters, no conflicts (2 of 4 stars). 4 submissions from 4 submitters: Uncertain significance (4). Last evaluated 2025-10-08.

Conditions:
Classic or attenuated familial adenomatous polyposis. Identifiers: MedGen CN372698, MONDO:0021057.
Hereditary cancer-predisposing syndrome. Also called: Hereditary neoplastic syndrome; Neoplastic Syndromes, Hereditary; Tumor predisposition; Hereditary Cancer Syndrome. Identifiers: Orphanet 140162, MedGen C0027672, MeSH D009386, MONDO:0015356.
Familial adenomatous polyposis 1 (FAP1). Also called: FAMILIAL ADENOMATOUS POLYPOSIS 1, ATTENUATED; POLYPOSIS, ADENOMATOUS INTESTINAL. Identifiers: MedGen C2713442, MONDO:0021056, OMIM 175100. Disease mechanism: loss of function.

Allele frequency attached by ClinVar (database versions not stated): gnomAD exomes below 0.00001; TOPMed below 0.00001; gnomAD 0.00001.
gnomAD v4.1: 10 of 1,614,054 alleles (0.00062%); highest among the groups gnomAD compares: Admixed American, 0.0017%; no homozygotes.

Submissions (4):

Labcorp Genetics (formerly Invitae), Labcorp
Classification: Uncertain significance for Familial adenomatous polyposis 1. Last evaluated: 2025-10-08. Review status: criteria provided, single submitter. Criteria: Invitae Variant Classification Sherloc (09022015). Collection method: clinical testing. Allele origin: germline.
Comment: This sequence change replaces isoleucine, which is neutral and non-polar, with valine, which is neutral and non-polar, at codon 1746 of the APC protein (p.Ile1746Val). This variant is present in population databases (rs786202076, gnomAD no frequency). This variant has not been reported in the literature in individuals affected with APC-related conditions. ClinVar contains an entry for this variant (Variation ID: 185312). Invitae Evidence Modeling of protein sequence and biophysical properties (such as structural, functional, and spatial information, amino acid conservation, physicochemical variation, residue mobility, and thermodynamic stability) indicates that this missense variant is not expected to disrupt APC protein function with a negative predictive value of 95%. RNA analysis performed to evaluate the impact of this missense change on mRNA splicing indicates it does not significantly alter splicing (internal data). In summary, the available evidence is currently insufficient to determine the role of this variant in disease. Therefore, it has been classified as a Variant of Uncertain Significance.

Ambry Genetics
Classification: Uncertain significance for Hereditary cancer-predisposing syndrome. Last evaluated: 2024-12-04. Review status: criteria provided, single submitter. Criteria: Ambry Variant Classification Scheme 2023. Collection method: clinical testing. Allele origin: germline.
Comment: The p.I1746V variant (also known as c.5236A>G), located in coding exon 15 of the APC gene, results from an A to G substitution at nucleotide position 5236. The isoleucine at codon 1746 is replaced by valine, an amino acid with highly similar properties. This amino acid position is well conserved in available vertebrate species. Missense alterations in APC are not a common cause of disease (Spier I et al. Genet Med. 2024 Feb;26(2):100992). In addition, in silico predictors for this gene do not accurately predict pathogenicity. Since supporting evidence is limited at this time, the clinical significance of this alteration remains unclear.

Color Diagnostics, LLC DBA Color Health
Classification: Uncertain significance for Hereditary cancer-predisposing syndrome. Last evaluated: 2024-09-30. Review status: criteria provided, single submitter. Criteria: ACMG Guidelines, 2015. Collection method: clinical testing. Allele origin: germline.
Comment: This missense variant replaces isoleucine with valine at codon 1746 of the APC protein. Computational prediction suggests that this variant may not impact protein structure and function (internally defined REVEL score threshold <= 0.5, PMID: 27666373). To our knowledge, functional studies have not been reported for this variant. This variant has been reported in an individual affected with attenuated form of familial adenomatous polyposis (Lin et al. poster# 1213, American Journal of Gastroenterology 2012). This variant has been identified in 1/31410 chromosomes in the general population by the Genome Aggregation Database (gnomAD). The available evidence is insufficient to determine the role of this variant in disease conclusively. Therefore, this variant is classified as a Variant of Uncertain Significance.

All of Us Research Program, National Institutes of Health
Classification: Uncertain significance for Classic or attenuated familial adenomatous polyposis. Last evaluated: 2023-09-18. Review status: criteria provided, single submitter. Criteria: ACMG Guidelines, 2015. Collection method: clinical testing. Allele origin: germline. Inheritance: Autosomal dominant inheritance. Observed: 2 variant alleles, 2 heterozygotes.
Comment: This missense variant replaces isoleucine with valine at codon 1746 of the APC protein. Computational prediction suggests that this variant may not impact protein structure and function (internally defined REVEL score threshold <= 0.5, PMID: 27666373). Splice site prediction tools suggest that this variant may impact RNA splicing. To our knowledge, functional studies have not been reported for this variant. This variant has been reported in an individual affected with attenuated form of familial adenomatous polyposis (Lin et al. poster# 1213, American Journal of Gastroenterology 2012). This variant has been identified in 1/31410 chromosomes in the general population by the Genome Aggregation Database (gnomAD). The available evidence is insufficient to determine the role of this variant in disease conclusively. Therefore, this variant is classified as a Variant of Uncertain Significance.

This study involves interpretation of variants in research participants for the purpose of population health screening. Participant phenotype was not available at the time of variant classification. Additional details can be found in publication PMID: 35346344, PMCID: PMC8962531

NM_000038.6(APC):c.5236A>G (p.Ile1746Val)

Gene: APC (APC regulator of Wnt signaling pathway; plus strand). Cytogenetic location: 5q22.2.
Variant type: single nucleotide variant.
Coding change: c.5236A>G on transcript NM_000038.6 (MANE Select); coding-DNA position 5236, A replaced by G.
Protein change: p.Ile1746Val; replaces isoleucine 1746 with valine.
Molecular consequence: missense variant.
Genome position (GRCh38, 1-based): chr5:112,840,830, A>G. VCF-style: chr5-112840830-A-G. GRCh37 (hg19) VCF-style: chr5-112176527-A-G.
Other names: c.5236A>G, p.Ile1746Val (NM_001127510.3, NM_001354895.2); c.5182A>G, p.Ile1728Val (NM_001127511.3); c.5290A>G, p.Ile1764Val (NM_001354896.2); c.5266A>G, p.Ile1756Val (NM_001354897.2); c.5161A>G, p.Ile1721Val (NM_001354898.2); c.5152A>G, p.Ile1718Val (NM_001354899.2); c.5113A>G, p.Ile1705Val (NM_001354900.2); c.5059A>G, p.Ile1687Val (NM_001354901.2); and 5 more; short protein forms I1728V, I1746V, I1718V, I1721V, I1764V, I1620V, I1645V, I1756V.
Identifiers: ClinVar variation 185312 (VCV000185312.60), dbSNP rs786202076, ClinGen allele CA009948.